The following is an entry in ClinVar:

NM_001148.6(ANK2):c.9656G>T (p.Ser3219Ile)

Gene: ANK2 (ankyrin 2; plus strand). Cytogenetic location: 4q26.
Variant type: single nucleotide variant.
Coding change: c.9656G>T on transcript NM_001148.6 (MANE Select); coding-DNA position 9656, G replaced by T.
Protein change: p.Ser3219Ile; replaces serine 3219 with isoleucine.
Molecular consequence: missense variant. On other transcripts: intron variant (68).
Genome position (GRCh38, 1-based): chr4:113,358,274, G>T. VCF-style: chr4-113358274-G-T. GRCh37 (hg19) VCF-style: chr4-114279430-G-T.
Other names: c.9422G>T, p.Ser3141Ile (NM_001386142.1); c.6056G>T, p.Ser2019Ile (NM_001386166.1); c.9797G>T, p.Ser3266Ile (NM_001386174.1); c.9773G>T, p.Ser3258Ile (NM_001386175.1); c.4412-2549G>T (NM_001386186.2, NM_001386148.2); c.4214-2549G>T (NM_001354269.3); c.4292-2549G>T (NM_001386187.2); c.4253-2549G>T (NM_001386147.1); and 35 more; short protein forms S2019I, S3141I, S3219I, S3258I, S3266I.
Identifiers: ClinVar variation 1026640 (VCV001026640.5), dbSNP rs371919804, ClinGen allele CA3051955.

ClinVar aggregate classification (germline): Uncertain significance. Review status: criteria provided, multiple submitters, no conflicts (2 of 4 stars). 2 submissions from 2 submitters: Uncertain significance (2). Last evaluated 2025-01-06.

Conditions:
Long QT syndrome (LQTS). Identifiers: MedGen C0023976, MeSH D008133, MONDO:0002442. Disease mechanism: loss of function. Inheritance: Various modes of inheritance.
Cardiac arrhythmia, ankyrin-B-related. Also called: ANKYRIN-B SYNDROME. Identifiers: Orphanet 101016, Orphanet 768, MedGen C1970119, MONDO:0010958, OMIM 600919.

Allele frequency attached by ClinVar (database versions not stated): gnomAD 0.00001; TOPMed 0.00003; ESP Exome Variant Server 0.00008.
gnomAD v4.1: 4 of 1,613,864 alleles (0.00025%); highest among the groups gnomAD compares: African/African-American, 0.0027%; no homozygotes.

Submissions (2):

Labcorp Genetics (formerly Invitae), Labcorp
Classification: Uncertain significance for Long QT syndrome. Last evaluated: 2025-01-06. Review status: criteria provided, single submitter. Criteria: Invitae Variant Classification Sherloc (09022015). Collection method: clinical testing. Allele origin: germline.
Comment: This sequence change replaces serine, which is neutral and polar, with isoleucine, which is neutral and non-polar, at codon 3219 of the ANK2 protein (p.Ser3219Ile). This variant is present in population databases (rs371919804, gnomAD 0.008%). This variant has not been reported in the literature in individuals affected with ANK2-related conditions. ClinVar contains an entry for this variant (Variation ID: 1026640). An algorithm developed to predict the effect of missense changes on protein structure and function (PolyPhen-2) suggests that this variant is likely to be disruptive. In summary, the available evidence is currently insufficient to determine the role of this variant in disease. Therefore, it has been classified as a Variant of Uncertain Significance.

Fulgent Genetics
Classification: Uncertain significance for Cardiac arrhythmia, ankyrin-B-related. Last evaluated: 2021-09-01. Review status: criteria provided, single submitter. Criteria: ACMG Guidelines, 2015. Collection method: clinical testing. Allele origin: unknown.